The following is an entry in ClinVar:

NM_000516.7(GNAS):c.139+5G>A

Gene: GNAS (GNAS complex locus; plus strand). Cytogenetic location: 20q13.32.
Variant type: single nucleotide variant.
Coding change: c.139+5G>A on transcript NM_000516.7 (MANE Select); 5 bases into the intron after coding-DNA position 139, G replaced by A.
Molecular consequence: intron variant.
Genome position (GRCh38, 1-based): chr20:58,891,870, G>A. VCF-style: chr20-58891870-G-A. GRCh37 (hg19) VCF-style: chr20-57466925-G-A.
Other names: c.*43-3742G>A (NM_016592.5); c.44-3742G>A (NM_001410912.1); c.-38-3742G>A (NM_001309861.2); c.*1-3742G>A (NM_001077490.3); c.2069-3742G>A (NM_080425.4, NM_001410913.1); c.*159-3742G>A (NM_001309883.1); c.-39+2517G>A (NM_001309840.2); c.139+5G>A (NM_001077488.5, NM_080426.4, NM_001077489.4 and 1 more transcripts).
Identifiers: ClinVar variation 3347215 (VCV003347215.1).

ClinVar aggregate classification (germline): Uncertain significance (0 of 4 stars; one submission).

Conditions:
GNAS-related disorder. Identifiers: MedGen CN380105.

Submission:

PreventionGenetics, part of Exact Sciences
Classification: Uncertain significance for GNAS-related condition. Last evaluated: 2024-08-15. Review status: no assertion criteria provided. Collection method: clinical testing. Allele origin: germline.
Comment: The GNAS c.139+5G>A variant is predicted to interfere with splicing. To our knowledge, this variant has not been reported in the literature or in a large population database. This variant is predicted to alter splicing based on available splicing prediction programs (SpliceAI, Jaganathan et al. 2019. PubMed ID: 30661751). However, the use of computer prediction programs is not equivalent to functional evidence. At this time, the clinical significance of this variant is uncertain due to the absence of conclusive functional and genetic evidence.